The following is an entry in ClinVar:

ClinVar aggregate classification (germline): Likely benign (0 of 4 stars; one submission).

Conditions:
TUBB3-related disorder. Also called: TUBB3-related condition; TUBB3-related disorders.

Allele frequency attached by ClinVar (database versions not stated): gnomAD 0.00001; gnomAD exomes 0.00003; ExAC 0.00007.
gnomAD v4.1: 44 of 1,614,076 alleles (0.0027%); highest among the groups gnomAD compares: South Asian, 0.043%; no homozygotes.

Submission:

PreventionGenetics, part of Exact Sciences
Classification: Likely benign for TUBB3-related condition. Last evaluated: 2019-05-10. Review status: no assertion criteria provided. Collection method: clinical testing. Allele origin: germline.
Comment: This variant is classified as likely benign based on ACMG/AMP sequence variant interpretation guidelines (Richards et al. 2015 PMID: 25741868, with internal and published modifications).

NM_006086.4(TUBB3):c.639C>T (p.Arg213=)

Gene: TUBB3 (tubulin beta 3 class III; plus strand). Cytogenetic location: 16q24.3.
Variant type: single nucleotide variant.
Coding change: c.639C>T on transcript NM_006086.4 (MANE Select); coding-DNA position 639, C replaced by T.
Protein change: p.Arg213=; no amino-acid change (arginine 213 retained).
Molecular consequence: synonymous variant.
Genome position (GRCh38, 1-based): chr16:89,935,090, C>T. VCF-style: chr16-89935090-C-T. GRCh37 (hg19) VCF-style: chr16-90001498-C-T.
Other names: c.423C>T, p.Arg141= (NM_001197181.2).
Identifiers: ClinVar variation 3041673 (VCV003041673.2), dbSNP rs748734939, ClinGen allele CA8256143.